The following is an entry in ClinVar:

NM_024408.4(NOTCH2):c.5365T>C (p.Trp1789Arg)

Gene: NOTCH2 (notch receptor 2; minus strand). Cytogenetic location: 1p12.
Variant type: single nucleotide variant.
Coding change: c.5365T>C on transcript NM_024408.4 (MANE Select); coding-DNA position 5365, T replaced by C.
Protein change: p.Trp1789Arg; replaces tryptophan 1789 with arginine.
Molecular consequence: missense variant.
Genome position (GRCh38, 1-based): chr1:119,920,343, A>G on the plus strand (T>C on the coding strand, the complement: NOTCH2 is on the minus strand). VCF-style: chr1-119920343-A-G. GRCh37 (hg19) VCF-style: chr1-120462966-A-G.
Other names: short protein forms W1789R.
Identifiers: ClinVar variation 4281812 (VCV004281812.1).

ClinVar aggregate classification (germline): Uncertain significance (1 of 4 stars; one submission).

gnomAD v4.1: 1 of 1,614,188 alleles (0.000062%); highest among the groups gnomAD compares: Non-Finnish European, 0.000085%; no homozygotes.

Submission:

GeneDx
Classification: Uncertain significance. Last evaluated: 2025-04-08. Review status: criteria provided, single submitter. Criteria: GeneDx Variant Classification Process June 2021. Collection method: clinical testing. Allele origin: germline. Affected: yes.
Comment: Not observed at significant frequency in large population cohorts (gnomAD); In silico analysis supports that this missense variant has a deleterious effect on protein structure/function; Has not been previously published as pathogenic or benign to our knowledge